The following is an entry in ClinVar:

ClinVar aggregate classification (germline): Uncertain significance. Review status: criteria provided, multiple submitters, no conflicts (2 of 4 stars). 3 submissions from 3 submitters: Uncertain significance (3). Last evaluated 2025-12-22.

Conditions:
Age related macular degeneration 1 (ARMD1). Also called: MACULOPATHY, AGE-RELATED, 1. Identifiers: MedGen C1864205, MONDO:0011285, OMIM 603075.

Allele frequency attached by ClinVar (database versions not stated): ExAC 0.00001; gnomAD exomes 0.00002; gnomAD 0.00003.
gnomAD v4.1: 27 of 1,613,442 alleles (0.0017%); highest among the groups gnomAD compares: Middle Eastern, 0.017%; no homozygotes.

Submissions (3):

Labcorp Genetics (formerly Invitae), Labcorp
Classification: Uncertain significance. Last evaluated: 2025-12-22. Review status: criteria provided, single submitter. Criteria: Invitae Variant Classification Sherloc (09022015). Collection method: clinical testing. Allele origin: germline.
Comment: This sequence change replaces glycine, which is neutral and non-polar, with serine, which is neutral and polar, at codon 3881 of the HMCN1 protein (p.Gly3881Ser). This variant is present in population databases (rs779380704, gnomAD 0.007%). This variant has not been reported in the literature in individuals affected with HMCN1-related conditions. ClinVar contains an entry for this variant (Variation ID: 1920858). An algorithm developed to predict the effect of missense changes on protein structure and function (PolyPhen-2) suggests that this variant is likely to be tolerated. In summary, the available evidence is currently insufficient to determine the role of this variant in disease. Therefore, it has been classified as a Variant of Uncertain Significance.

Genome-Nilou Lab
Classification: Uncertain significance for Age related macular degeneration 1. Last evaluated: 2023-04-11. Review status: criteria provided, single submitter. Criteria: ACMG Guidelines, 2015. Collection method: clinical testing. Allele origin: germline. Affected: no.

Ambry Genetics
Classification: Uncertain significance. Last evaluated: 2023-03-29. Review status: criteria provided, single submitter. Criteria: Ambry Variant Classification Scheme 2023. Collection method: clinical testing. Allele origin: germline.

NM_031935.3(HMCN1):c.11641G>A (p.Gly3881Ser)

Gene: HMCN1 (hemicentin 1; plus strand). Cytogenetic location: 1q31.1.
Variant type: single nucleotide variant.
Coding change: c.11641G>A on transcript NM_031935.3 (MANE Select); coding-DNA position 11641, G replaced by A.
Protein change: p.Gly3881Ser; replaces glycine 3881 with serine.
Molecular consequence: missense variant.
Genome position (GRCh38, 1-based): chr1:186,117,073, G>A. VCF-style: chr1-186117073-G-A. GRCh37 (hg19) VCF-style: chr1-186086205-G-A.
Other names: c.11641G>A (NM_031935.2); short protein forms G3881S.
Identifiers: ClinVar variation 1920858 (VCV001920858.8), dbSNP rs779380704, ClinGen allele CA1294102.